The following is an entry in ClinVar:

ClinVar aggregate classification (germline): Conflicting classifications of pathogenicity. Review status: criteria provided, conflicting classifications (1 of 4 stars). 2 submissions from 2 submitters: Uncertain significance (1); Likely benign (1). Last evaluated 2025-07-25.

Conditions:
SEMA3G-related disorder. Also called: SEMA3G-related condition.

Allele frequency attached by ClinVar (database versions not stated): gnomAD exomes 0.00001; TOPMed 0.00005; gnomAD 0.00007.

Submissions (2):

PreventionGenetics, part of Exact Sciences
Classification: Uncertain significance for SEMA3G-related condition. Last evaluated: 2025-07-25. Review status: criteria provided, single submitter. Criteria: ACMG Guidelines, 2015. Collection method: clinical testing. Allele origin: germline.
Comment: The SEMA3G c.1553G>A variant is predicted to result in the amino acid substitution p.Arg518Gln. To our knowledge, this variant has not been reported in the literature. This variant is reported in 0.012% of alleles in individuals of African descent in gnomAD. At this time, the clinical significance of this variant is uncertain due to the absence of conclusive functional and genetic evidence.

Ambry Genetics
Classification: Likely benign. Last evaluated: 2021-09-16. Review status: criteria provided, single submitter. Criteria: Ambry Variant Classification Scheme 2023. Collection method: clinical testing. Allele origin: germline.

NM_020163.3(SEMA3G):c.1553G>A (p.Arg518Gln)

Gene: SEMA3G (semaphorin 3G; minus strand). Cytogenetic location: 3p21.1.
Variant type: single nucleotide variant.
Coding change: c.1553G>A on transcript NM_020163.3 (MANE Select); coding-DNA position 1553, G replaced by A.
Protein change: p.Arg518Gln; replaces arginine 518 with glutamine.
Molecular consequence: missense variant.
Genome position (GRCh38, 1-based): chr3:52,438,156, C>T on the plus strand (G>A on the coding strand, the complement: SEMA3G is on the minus strand). VCF-style: chr3-52438156-C-T. GRCh37 (hg19) VCF-style: chr3-52472172-C-T.
Other names: c.1553G>A (NM_020163.2); short protein forms R518Q.
Identifiers: ClinVar variation 2250839 (VCV002250839.5), dbSNP rs916589572, ClinGen allele CA74764922.